The following is an entry in ClinVar:

ClinVar aggregate classification (germline): Uncertain significance (1 of 4 stars; one submission).

Conditions:
Maple syrup urine disease (MSUD). Identifiers: Orphanet 511, MedGen C0024776, MeSH D008375, MONDO:0009563. Disease mechanism: loss of function.

Allele frequency attached by ClinVar (database versions not stated): gnomAD exomes below 0.00001; TOPMed 0.00001.

Submission:

Labcorp Genetics (formerly Invitae), Labcorp
Classification: Uncertain significance for Maple syrup urine disease. Last evaluated: 2020-07-23. Review status: criteria provided, single submitter. Criteria: Invitae Variant Classification Sherloc (09022015). Collection method: clinical testing. Allele origin: germline.
Comment: In summary, the available evidence is currently insufficient to determine the role of this variant in disease. Therefore, it has been classified as a Variant of Uncertain Significance. Algorithms developed to predict the effect of missense changes on protein structure and function are either unavailable or do not agree on the potential impact of this missense change (SIFT: "Deleterious"; PolyPhen-2: "Benign"; Align-GVGD: "Class C0"). This variant has not been reported in the literature in individuals with BCKDHB-related conditions. This variant is not present in population databases (ExAC no frequency). This sequence change replaces aspartic acid with glycine at codon 378 of the BCKDHB protein (p.Asp378Gly). The aspartic acid residue is highly conserved and there is a moderate physicochemical difference between aspartic acid and glycine.

NM_183050.4(BCKDHB):c.1133A>G (p.Asp378Gly)

Gene: BCKDHB (branched chain keto acid dehydrogenase E1 subunit beta; plus strand). Cytogenetic location: 6q14.1.
Variant type: single nucleotide variant.
Coding change: c.1133A>G on transcript NM_183050.4 (MANE Select); coding-DNA position 1133, A replaced by G.
Protein change: p.Asp378Gly; replaces aspartic acid 378 with glycine.
Molecular consequence: missense variant. On other transcripts: non-coding transcript variant (1).
Genome position (GRCh38, 1-based): chr6:80,343,758, A>G. VCF-style: chr6-80343758-A-G. GRCh37 (hg19) VCF-style: chr6-81053475-A-G.
Other names: c.1133A>G, p.Asp378Gly (NM_000056.5); c.923A>G, p.Asp308Gly (NM_001318975.1); short protein forms D308G, D378G.
Identifiers: ClinVar variation 1016143 (VCV001016143.9), dbSNP rs1185514016, ClinGen allele CA365021556.
Genomic context (GRCh38, chr6:80,343,758, plus strand): 5'-CAAGAGTATGTGGTTATGACACACCATTTCCTCACATTTTTGAACCATTCTACATCCCAG[A>G]CAAATGGAAGTGTTATGATGCCCTTCGAAAAATGATCAACTATTGACCATATAGGTAGGT-3'
Protein context (NP_898871.1, residues 368-388): PHIFEPFYIP[Asp378Gly]KWKCYDALRK